The following is an entry in ClinVar:

NM_022773.4(LMF1):c.1228G>A (p.Gly410Arg)

Gene: LMF1 (lipase maturation factor 1; minus strand). Cytogenetic location: 16p13.3.
Variant type: single nucleotide variant.
Coding change: c.1228G>A on transcript NM_022773.4 (MANE Select); coding-DNA position 1228, G replaced by A.
Protein change: p.Gly410Arg; replaces glycine 410 with arginine.
Molecular consequence: missense variant. On other transcripts: non-coding transcript variant (1).
Genome position (GRCh38, 1-based): chr16:870,733, C>T on the plus strand (G>A on the coding strand, the complement: LMF1 is on the minus strand). VCF-style: chr16-870733-C-T. GRCh37 (hg19) VCF-style: chr16-920733-C-T.
Other names: c.1228G>A (NM_022773.3, NM_022773.2); c.577G>A, p.Gly193Arg (NM_001352017.2, NM_001352021.2); c.829G>A, p.Gly277Arg (NM_001352018.2); c.901G>A, p.Gly301Arg (NM_001352019.2); c.1228G>A, p.Gly410Arg (NM_001352020.1); short protein forms G193R, G277R, G301R, G410R.
Identifiers: ClinVar variation 1577410 (VCV001577410.13), dbSNP rs199713950, ClinGen allele CA7797133.

ClinVar aggregate classification (germline): Conflicting classifications of pathogenicity. Review status: criteria provided, conflicting classifications (1 of 4 stars). 4 submissions from 4 submitters: Uncertain significance (1); Likely benign (2). 1 of the submissions does not count toward it. Last evaluated 2025-11-09.

Conditions:
LMF1-related disorder. Also called: LMF1-related condition.
Cardiovascular phenotype. Identifiers: MedGen CN230736.

Allele frequency attached by ClinVar (database versions not stated): TOPMed 0.00037; gnomAD exomes 0.00045 and 0.00105; gnomAD 0.00056 and 0.00063; 1000 Genomes Project 0.00060; 1000 Genomes Project 30x 0.00062; ExAC 0.00090.
gnomAD v4.1: 750 of 1,612,758 alleles (0.047%); highest among the groups gnomAD compares: East Asian, 0.72%; 3 homozygotes.

Submissions (4):

Labcorp Genetics (formerly Invitae), Labcorp
Classification: Likely benign. Last evaluated: 2025-11-09. Review status: criteria provided, single submitter. Criteria: Invitae Variant Classification Sherloc (09022015). Collection method: clinical testing. Allele origin: germline.

Ambry Genetics
Classification: Likely benign for Cardiovascular phenotype. Last evaluated: 2024-09-05. Review status: criteria provided, single submitter. Criteria: Ambry Variant Classification Scheme 2023. Collection method: clinical testing. Allele origin: germline.

GeneDx
Classification: Uncertain significance. Last evaluated: 2023-12-22. Review status: criteria provided, single submitter. Criteria: GeneDx Variant Classification Process June 2021. Collection method: clinical testing. Allele origin: germline. Affected: yes.
Comment: In silico analysis supports that this missense variant has a deleterious effect on protein structure/function; This variant is associated with the following publications: (PMID: 32041611, 30420299)

PreventionGenetics, part of Exact Sciences
Classification: Likely benign for LMF1-related condition. Last evaluated: 2021-04-26. Review status: no assertion criteria provided. Collection method: clinical testing. Allele origin: germline. Not counted in ClinVar's aggregate classification.
Comment: This variant is classified as likely benign based on ACMG/AMP sequence variant interpretation guidelines (Richards et al. 2015 PMID: 25741868, with internal and published modifications).